The following is an entry in ClinVar:

NM_002449.5(MSX2):c.80G>A (p.Gly27Glu)

Gene: MSX2 (msh homeobox 2; plus strand). Cytogenetic location: 5q35.2.
Variant type: single nucleotide variant.
Coding change: c.80G>A on transcript NM_002449.5 (MANE Select); coding-DNA position 80, G replaced by A.
Protein change: p.Gly27Glu; replaces glycine 27 with glutamic acid.
Molecular consequence: missense variant.
Genome position (GRCh38, 1-based): chr5:174,724,739, G>A. VCF-style: chr5-174724739-G-A. GRCh37 (hg19) VCF-style: chr5-174151742-G-A.
Other names: c.80G>A, p.Gly27Glu (NM_001363626.2); short protein forms G27E.
Identifiers: ClinVar variation 3694997 (VCV003694997.3).
Genomic context (GRCh38, chr5:174,724,739, plus strand): 5'-GCAATGACTTGTTTTCGCCCGACGAGGAGGGCCCAGCAGTGGTGGCCGGACCAGGCCCGG[G>A]GCCTGGGGGCGCCGAGGGGGCCGCGGAGGAGCGCCGCGTCAAGGTCTCCAGCCTGCCCTT-3'
Protein context (NP_002440.2, residues 17-37): GPAVVAGPGP[Gly27Glu]PGGAEGAAEE

ClinVar aggregate classification (germline): Uncertain significance. Review status: criteria provided, multiple submitters, no conflicts (2 of 4 stars). 2 submissions from 2 submitters: Uncertain significance (2). Last evaluated 2025-03-05.

Conditions:
Cranium bifidum occultum. Also called: Enlarged Parietal Foramina; CATLIN MARKS; CRANIUM BIFIDUM, HEREDITARY. Identifiers: MedGen C1868598, HP:0004423.

Submissions (2):

Women's Health and Genetics/Laboratory Corporation of America, LabCorp
Classification: Uncertain significance. Last evaluated: 2025-03-05. Review status: criteria provided, single submitter. Criteria: LabCorp Variant Classification Summary - May 2015. Collection method: clinical testing. Allele origin: germline.
Comment: Variant summary: MSX2 c.80G>A (p.Gly27Glu) results in a non-conservative amino acid change in the encoded protein sequence. Four of five in-silico tools predict a benign effect of the variant on protein function. The variant allele was found at a frequency of 1.1e-05 in 186536 control chromosomes (gnomAD). The available data on variant occurrences in the general population are insufficient to allow any conclusion about variant significance. To our knowledge, no occurrence of c.80G>A in individuals affected with MSX2-Related Disorders and no experimental evidence demonstrating its impact on protein function have been reported. ClinVar contains an entry for this variant (Variation ID: 3694997). Based on the evidence outlined above, the variant was classified as uncertain significance.

Labcorp Genetics (formerly Invitae), Labcorp
Classification: Uncertain significance for Cranium bifidum occultum. Last evaluated: 2024-09-09. Review status: criteria provided, single submitter. Criteria: Invitae Variant Classification Sherloc (09022015). Collection method: clinical testing. Allele origin: germline.
Comment: This sequence change replaces glycine, which is neutral and non-polar, with glutamic acid, which is acidic and polar, at codon 27 of the MSX2 protein (p.Gly27Glu). This variant is present in population databases (no rsID available, gnomAD 0.02%). This variant has not been reported in the literature in individuals affected with MSX2-related conditions. An algorithm developed to predict the effect of missense changes on protein structure and function (PolyPhen-2) suggests that this variant is likely to be tolerated. In summary, the available evidence is currently insufficient to determine the role of this variant in disease. Therefore, it has been classified as a Variant of Uncertain Significance.